The following is an entry in ClinVar:

ClinVar aggregate classification (germline): Likely pathogenic (1 of 4 stars; one submission).

Submission:

Labcorp Genetics (formerly Invitae), Labcorp
Classification: Likely pathogenic. Last evaluated: 2023-02-22. Review status: criteria provided, single submitter. Criteria: Invitae Variant Classification Sherloc (09022015). Collection method: clinical testing. Allele origin: germline.
Comment: This variant has not been reported in the literature in individuals affected with LCT-related conditions. In summary, the currently available evidence indicates that the variant is pathogenic, but additional data are needed to prove that conclusively. Therefore, this variant has been classified as Likely Pathogenic. Algorithms developed to predict the effect of sequence changes on RNA splicing suggest that this variant may disrupt the consensus splice site. This variant is not present in population databases (gnomAD no frequency). This sequence change affects a donor splice site in intron 2 of the LCT gene. It is expected to disrupt RNA splicing. Variants that disrupt the donor or acceptor splice site typically lead to a loss of protein function (PMID: 16199547), and loss-of-function variants in LCT are known to be pathogenic (PMID: 16400612, 25881162).

Literature cited by the submitters: PubMed 16199547; PubMed 16400612; PubMed 25881162.

NM_002299.4(LCT):c.720+1G>T

Gene: LCT (lactase; minus strand). Cytogenetic location: 2q21.3.
Variant type: single nucleotide variant.
Coding change: c.720+1G>T on transcript NM_002299.4 (MANE Select); the canonical splice donor site of the intron after coding-DNA position 720, G replaced by T.
Molecular consequence: splice donor variant.
Genome position (GRCh38, 1-based): chr2:135,833,110, C>A on the plus strand (G>T on the coding strand, the complement: LCT is on the minus strand). VCF-style: chr2-135833110-C-A. GRCh37 (hg19) VCF-style: chr2-136590680-C-A.
Identifiers: ClinVar variation 2839651 (VCV002839651.3), dbSNP rs2467252904, ClinGen allele CA348608715.